The following is an entry in ClinVar:

NM_014339.7(IL17RA):c.895G>A (p.Ala299Thr)

Gene: IL17RA (interleukin 17 receptor A; plus strand). Cytogenetic location: 22q11.1.
Variant type: single nucleotide variant.
Coding change: c.895G>A on transcript NM_014339.7 (MANE Select); coding-DNA position 895, G replaced by A.
Protein change: p.Ala299Thr; replaces alanine 299 with threonine.
Molecular consequence: missense variant.
Genome position (GRCh38, 1-based): chr22:17,104,774, G>A. VCF-style: chr22-17104774-G-A. GRCh37 (hg19) VCF-style: chr22-17585664-G-A.
Other names: c.895G>A (NM_014339.5); c.895G>A, p.Ala299Thr (NM_001289905.2); short protein forms A299T.
Identifiers: ClinVar variation 1503879 (VCV001503879.8), dbSNP rs781461932, ClinGen allele CA10086530.
Genomic context (GRCh38, chr22:17,104,774, plus strand): 5'-CTCTGCCCGCAGATCCAGCCCTTCTTCAGCAGCTGCCTCAATGACTGCCTCAGACACTCC[G>A]CGACTGTTTCCTGCCCAGAAATGCCAGACACTCCAGGTAGGGGACATGCGGCTGTCCTAG-3'
Protein context (NP_055154.3, residues 289-309): SCLNDCLRHS[Ala299Thr]TVSCPEMPDT

ClinVar aggregate classification (germline): Uncertain significance. Review status: criteria provided, multiple submitters, no conflicts (2 of 4 stars). 2 submissions from 2 submitters: Uncertain significance (2). Last evaluated 2024-10-16.

Conditions:
Immunodeficiency 51 (IMD51). Also called: CANDIDIASIS, FAMILIAL, 5. Identifiers: Orphanet 1334, MedGen C4310803, MONDO:0013500, OMIM 613953.

Allele frequency attached by ClinVar (database versions not stated): gnomAD 0.00004 and 0.00005; ExAC 0.00006; gnomAD exomes 0.00006 and 0.00007; TOPMed 0.00006.

Submissions (2):

Labcorp Genetics (formerly Invitae), Labcorp
Classification: Uncertain significance for Immunodeficiency 51. Last evaluated: 2024-10-16. Review status: criteria provided, single submitter. Criteria: Invitae Variant Classification Sherloc (09022015). Collection method: clinical testing. Allele origin: germline.
Comment: This sequence change replaces alanine, which is neutral and non-polar, with threonine, which is neutral and polar, at codon 299 of the IL17RA protein (p.Ala299Thr). This variant is present in population databases (rs781461932, gnomAD 0.08%). This variant has not been reported in the literature in individuals affected with IL17RA-related conditions. ClinVar contains an entry for this variant (Variation ID: 1503879). Invitae Evidence Modeling of protein sequence and biophysical properties (such as structural, functional, and spatial information, amino acid conservation, physicochemical variation, residue mobility, and thermodynamic stability) indicates that this missense variant is not expected to disrupt IL17RA protein function with a negative predictive value of 80%. In summary, the available evidence is currently insufficient to determine the role of this variant in disease. Therefore, it has been classified as a Variant of Uncertain Significance.

Ambry Genetics
Classification: Uncertain significance. Last evaluated: 2024-03-15. Review status: criteria provided, single submitter. Criteria: Ambry Variant Classification Scheme 2023. Collection method: clinical testing. Allele origin: germline.